The following is an entry in ClinVar:

NM_000540.3(RYR1):c.1197C>T (p.Ala399=)

Gene: RYR1 (ryanodine receptor 1; plus strand). Cytogenetic location: 19q13.2.
Variant type: single nucleotide variant.
Coding change: c.1197C>T on transcript NM_000540.3 (MANE Select); coding-DNA position 1197, C replaced by T.
Protein change: p.Ala399=; no amino-acid change (alanine 399 retained).
Molecular consequence: synonymous variant.
Genome position (GRCh38, 1-based): chr19:38,451,838, C>T. VCF-style: chr19-38451838-C-T. GRCh37 (hg19) VCF-style: chr19-38942478-C-T.
Other names: c.1197C>T, p.Ala399= (NM_001042723.2).
Identifiers: ClinVar variation 1125514 (VCV001125514.10), dbSNP rs540083191, ClinGen allele CA057972.

ClinVar aggregate classification (germline): Likely benign. Review status: criteria provided, multiple submitters, no conflicts (2 of 4 stars). 3 submissions from 3 submitters: Likely benign (3). Last evaluated 2025-03-27.

Conditions:
RYR1-related disorder. Also called: RYR1-related condition; RYR1-related disorders. Identifiers: MedGen CN239331.
Malignant hyperthermia, susceptibility to, 1 (MHS1). Also called: Anesthesia related hyperthermia; Malignant hyperpyrexia; Fulminating hyperpyrexia; Pharmacogenic myopathy; Malignant hyperthermia suceptibility 1; RYR1-Related Malignant Hyperthermia Susceptibility. Identifiers: Orphanet 423, MedGen C2930980, MONDO:0007783, OMIM 145600.

Allele frequency attached by ClinVar (database versions not stated): gnomAD 0.00001 and 0.00002; TOPMed 0.00001; 1000 Genomes Project 30x 0.00016; 1000 Genomes Project 0.00020.
gnomAD v4.1: 10 of 1,614,120 alleles (0.00062%); highest among the groups gnomAD compares: East Asian, 0.0067%; no homozygotes.

Submissions (3):

Labcorp Genetics (formerly Invitae), Labcorp
Classification: Likely benign for RYR1-related disorder. Last evaluated: 2025-03-27. Review status: criteria provided, single submitter. Criteria: Invitae Variant Classification Sherloc (09022015). Collection method: clinical testing. Allele origin: germline.

All of Us Research Program, National Institutes of Health
Classification: Likely benign for Malignant hyperthermia, susceptibility to, 1. Last evaluated: 2024-01-11. Review status: criteria provided, single submitter. Criteria: ACMG Guidelines, 2015. Collection method: clinical testing. Allele origin: germline. Inheritance: Autosomal dominant inheritance. Observed: 3 variant alleles, 3 heterozygotes.
Comment: This study involves interpretation of variants in research participants for the purpose of population health screening. Participant phenotype was not available at the time of variant classification. Additional details can be found in publication PMID: 35346344, PMCID: PMC8962531

Color Diagnostics, LLC DBA Color Health
Classification: Likely benign for Malignant hyperthermia, susceptibility to, 1. Last evaluated: 2023-07-21. Review status: criteria provided, single submitter. Criteria: ACMG Guidelines, 2015. Collection method: clinical testing. Allele origin: germline.